The following is an entry in ClinVar:

ClinVar aggregate classification (germline): Benign/Likely benign. Review status: criteria provided, multiple submitters, no conflicts (2 of 4 stars). 3 submissions from 3 submitters: Benign (1); Likely benign (1). 1 of the submissions does not count toward it. Last evaluated 2022-04-19.

Conditions:
CDK12-related disorder. Also called: CDK12-related condition.
Hereditary breast ovarian cancer syndrome. Also called: Hereditary breast and ovarian cancer syndrome; BRCA1- and BRCA2-Associated Hereditary Breast and Ovarian Cancer; Hereditary breast and ovarian cancer syndrome (HBOC); Hereditary breast and/or ovarian cancer syndrome; Breast and ovarian cancer; Hereditary breast and ovarian cancer. Identifiers: Orphanet 145, MedGen C0677776, MeSH D061325, MONDO:0003582. Disease mechanism: loss of function.

Allele frequency attached by ClinVar (database versions not stated): 1000 Genomes Project 0.00559; 1000 Genomes Project 30x 0.00656; ExAC 0.01140; gnomAD exomes 0.01169 and 0.01968; gnomAD 0.01217 and 0.01231; TOPMed 0.01257; ESP Exome Variant Server 0.01469.
gnomAD v4.1: 30,154 of 1,598,328 alleles (1.9%); highest among the groups gnomAD compares: Non-Finnish European, 2.3%; 387 homozygotes.

Submissions (3):

National Health Laboratory Service, Universitas Academic Hospital and University of the Free State
Classification: Benign for Hereditary breast ovarian cancer syndrome. Last evaluated: 2022-04-19. Review status: criteria provided, single submitter. Criteria: ACMG Guidelines, 2015. Collection method: clinical testing. Allele origin: germline. Affected: yes. Observed: 2 variant alleles.

Breakthrough Genomics
Classification: Likely benign. Review status: criteria provided, single submitter. Criteria: ACMG Guidelines, 2015. Collection method: not provided. Allele origin: germline. Inheritance: Unknown mechanism. Affected: yes.

PreventionGenetics, part of Exact Sciences
Classification: Benign for CDK12-related condition. Last evaluated: 2019-03-08. Review status: no assertion criteria provided. Collection method: clinical testing. Allele origin: germline. Not counted in ClinVar's aggregate classification.
Comment: This variant is classified as benign based on ACMG/AMP sequence variant interpretation guidelines (Richards et al. 2015 PMID: 25741868, with internal and published modifications).

NM_016507.4(CDK12):c.1302A>G (p.Ser434=)

Gene: CDK12 (cyclin dependent kinase 12; plus strand). Cytogenetic location: 17q12.
Variant type: single nucleotide variant.
Coding change: c.1302A>G on transcript NM_016507.4 (MANE Select); coding-DNA position 1302, A replaced by G.
Protein change: p.Ser434=; no amino-acid change (serine 434 retained).
Molecular consequence: synonymous variant.
Genome position (GRCh38, 1-based): chr17:39,471,134, A>G. VCF-style: chr17-39471134-A-G. GRCh37 (hg19) VCF-style: chr17-37627387-A-G.
Other names: NP_057591.2:p.Ser434=; c.1302A>G, p.Ser434= (NM_015083.4); c.1302A>G (NM_016507.3).
Identifiers: ClinVar variation 1678982 (VCV001678982.4), dbSNP rs56158954, ClinGen allele CA8531115.